The following is an entry in ClinVar:

NM_004357.5(CD151):c.623G>A (p.Cys208Tyr)

Gene: CD151 (CD151 molecule (Raph blood group); plus strand). Cytogenetic location: 11p15.5.
Variant type: single nucleotide variant.
Coding change: c.623G>A on transcript NM_004357.5 (MANE Select); coding-DNA position 623, G replaced by A.
Protein change: p.Cys208Tyr; replaces cysteine 208 with tyrosine.
Molecular consequence: missense variant.
Genome position (GRCh38, 1-based): chr11:837,949, G>A. VCF-style: chr11-837949-G-A. GRCh37 (hg19) VCF-style: chr11-837949-G-A.
Other names: c.623G>A, p.Cys208Tyr (NM_001039490.2, NM_139029.2, NM_139030.4); short protein forms C208Y.
Identifiers: ClinVar variation 2799245 (VCV002799245.3), dbSNP rs2495988046, ClinGen allele CA378996059.
Genomic context (GRCh38, chr11:837,949, plus strand): 5'-CCAGTGGGAGGTGCCCCCTGGGCCCGCCTTCAACACCCATCCGCGCCCCGCAGGGCGGCT[G>A]CATCACCAAGTTGGAGACCTTCATCCAGGAGCACCTGAGGGTCATTGGGGCTGTGGGGAT-3'
Protein context (NP_004348.2, residues 198-218): ASNIYKVEGG[Cys208Tyr]ITKLETFIQE

ClinVar aggregate classification (germline): Uncertain significance (1 of 4 stars; one submission).

Submission:

Labcorp Genetics (formerly Invitae), Labcorp
Classification: Uncertain significance. Last evaluated: 2024-01-02. Review status: criteria provided, single submitter. Criteria: Invitae Variant Classification Sherloc (09022015). Collection method: clinical testing. Allele origin: germline.
Comment: This sequence change replaces cysteine, which is neutral and slightly polar, with tyrosine, which is neutral and polar, at codon 208 of the CD151 protein (p.Cys208Tyr). This variant is not present in population databases (gnomAD no frequency). This variant has not been reported in the literature in individuals affected with CD151-related conditions. An algorithm developed to predict the effect of missense changes on protein structure and function (PolyPhen-2) suggests that this variant is likely to be disruptive. In summary, the available evidence is currently insufficient to determine the role of this variant in disease. Therefore, it has been classified as a Variant of Uncertain Significance.